The following is an entry in ClinVar:

NM_000329.3(RPE65):c.1013A>G (p.Tyr338Cys)

Gene: RPE65 (retinoid isomerohydrolase RPE65; minus strand). Cytogenetic location: 1p31.3.
Variant type: single nucleotide variant.
Coding change: c.1013A>G on transcript NM_000329.3 (MANE Select); coding-DNA position 1013, A replaced by G.
Protein change: p.Tyr338Cys; replaces tyrosine 338 with cysteine.
Molecular consequence: missense variant.
Genome position (GRCh38, 1-based): chr1:68,438,302, T>C on the plus strand (A>G on the coding strand, the complement: RPE65 is on the minus strand). VCF-style: chr1-68438302-T-C. GRCh37 (hg19) VCF-style: chr1-68903985-T-C.
Other names: short protein forms Y338C.
Identifiers: ClinVar variation 1002701 (VCV001002701.9), dbSNP rs1645875407, ClinGen allele CA340744434.

ClinVar aggregate classification (germline): Likely pathogenic (1 of 4 stars; one submission).

Conditions:
Leber congenital amaurosis 2 (LCA2). Also called: Autosomal Recessive RPE65-Related Retinal Degeneration; AMAUROSIS CONGENITA OF LEBER II. Identifiers: Orphanet 65, MedGen C1859844, MONDO:0008765, OMIM 204100. Disease mechanism: loss of function.
Retinitis pigmentosa 20 (RP20). Identifiers: Orphanet 791, MedGen C3151086, MONDO:0013425, OMIM 613794.

Allele frequency attached by ClinVar (database versions not stated): gnomAD exomes below 0.00001.
gnomAD v4.1: 1 of 1,613,470 alleles (0.000062%); highest among the groups gnomAD compares: Non-Finnish European, 0.000085%; no homozygotes.

Submission:

Labcorp Genetics (formerly Invitae), Labcorp
Classification: Likely pathogenic for Leber congenital amaurosis 2; Retinitis pigmentosa 20. Last evaluated: 2025-09-08. Review status: criteria provided, single submitter. Criteria: Invitae Variant Classification Sherloc (09022015). Collection method: clinical testing. Allele origin: germline.
Comment: This sequence change replaces tyrosine, which is neutral and polar, with cysteine, which is neutral and slightly polar, at codon 338 of the RPE65 protein (p.Tyr338Cys). This variant is not present in population databases (gnomAD no frequency). This missense change has been observed in individual(s) with autosomal recessive retinitis pigmentosa (PMID: 34830511; internal data). In at least one individual the data is consistent with being in trans (on the opposite chromosome) from a pathogenic variant. ClinVar contains an entry for this variant (Variation ID: 1002701). Invitae Evidence Modeling of protein sequence and biophysical properties (such as structural, functional, and spatial information, amino acid conservation, physicochemical variation, residue mobility, and thermodynamic stability) has been performed for this missense variant. However, the output from this modeling did not meet the statistical confidence thresholds required to predict the impact of this variant on RPE65 protein function. In summary, the currently available evidence indicates that the variant is pathogenic, but additional data are needed to prove that conclusively. Therefore, this variant has been classified as Likely Pathogenic.

Literature cited by the submitters: PubMed 34830511.